The following is an entry in ClinVar:

ClinVar aggregate classification (germline): Uncertain significance. Review status: criteria provided, multiple submitters, no conflicts (2 of 4 stars). 5 submissions from 5 submitters: Uncertain significance (5). Last evaluated 2026-08-14.

Conditions:
Bardet-Biedl syndrome 5 (BBS5). Identifiers: Orphanet 110, MedGen C3892039, MONDO:0014434, OMIM 615983.
BBS5-related disorder. Also called: BBS5-related condition.
Inborn genetic diseases. Identifiers: MedGen C0950123, MeSH D030342.
Bardet-Biedl syndrome (BBS). Identifiers: Orphanet 110, MedGen C0752166, MONDO:0015229.

Allele frequency attached by ClinVar (database versions not stated): gnomAD 0.00002; gnomAD exomes 0.00002 and 0.00008; ExAC 0.00005; TOPMed 0.00005.
gnomAD v4.1: 25 of 1,608,336 alleles (0.0016%); highest among the groups gnomAD compares: Admixed American, 0.04%; no homozygotes.

Submissions (5):

PreventionGenetics, part of Exact Sciences
Classification: Uncertain significance for BBS5-related condition. Last evaluated: 2026-08-14. Review status: criteria provided, single submitter. Criteria: ACMG Guidelines, 2015. Collection method: clinical testing. Allele origin: germline.
Comment: The BBS5 c.229T>A variant is predicted to result in the amino acid substitution p.Leu77Met. To our knowledge, this variant has not been reported in the literature. This variant is reported in 0.055% of alleles in individuals of Latino descent in gnomAD, which is more common than expected for a primary cause of disease. Although we suspect that this variant may be benign, at this time, the clinical significance of this variant is uncertain due to the absence of conclusive functional and genetic evidence.

Ambry Genetics
Classification: Uncertain significance for Inborn genetic diseases. Last evaluated: 2025-04-10. Review status: criteria provided, single submitter. Criteria: Ambry Variant Classification Scheme 2023. Collection method: clinical testing. Allele origin: germline.

Fulgent Genetics
Classification: Uncertain significance for Bardet-Biedl syndrome 5. Last evaluated: 2024-03-02. Review status: criteria provided, single submitter. Criteria: ACMG Guidelines, 2015. Collection method: clinical testing. Allele origin: germline.

Labcorp Genetics (formerly Invitae), Labcorp
Classification: Uncertain significance for Bardet-Biedl syndrome. Last evaluated: 2022-08-23. Review status: criteria provided, single submitter. Criteria: Invitae Variant Classification Sherloc (09022015). Collection method: clinical testing. Allele origin: germline.
Comment: This sequence change replaces leucine, which is neutral and non-polar, with methionine, which is neutral and non-polar, at codon 77 of the BBS5 protein (p.Leu77Met). This variant is present in population databases (rs753387321, gnomAD 0.06%). This variant has not been reported in the literature in individuals affected with BBS5-related conditions. ClinVar contains an entry for this variant (Variation ID: 1440453). Algorithms developed to predict the effect of missense changes on protein structure and function are either unavailable or do not agree on the potential impact of this missense change (SIFT: "Tolerated"; PolyPhen-2: "Probably Damaging"; Align-GVGD: "Class C0"). In summary, the available evidence is currently insufficient to determine the role of this variant in disease. Therefore, it has been classified as a Variant of Uncertain Significance.

Breakthrough Genomics
Classification: Uncertain significance. Review status: criteria provided, single submitter. Criteria: ACMG Guidelines, 2015. Collection method: not provided. Allele origin: germline. Inheritance: Autosomal recessive inheritance. Affected: yes.

NM_152384.3(BBS5):c.229T>A (p.Leu77Met)

Gene: BBS5 (Bardet-Biedl syndrome 5; plus strand). Cytogenetic location: 2q31.1.
Variant type: single nucleotide variant.
Coding change: c.229T>A on transcript NM_152384.3 (MANE Select); coding-DNA position 229, T replaced by A.
Protein change: p.Leu77Met; replaces leucine 77 with methionine.
Molecular consequence: missense variant.
Genome position (GRCh38, 1-based): chr2:169,487,826, T>A. VCF-style: chr2-169487826-T-A. GRCh37 (hg19) VCF-style: chr2-170344336-T-A.
Other names: c.229T>A (NM_152384.2); short protein forms L77M.
Identifiers: ClinVar variation 1440453 (VCV001440453.9), dbSNP rs753387321, ClinGen allele CA1956160.